The following is an entry in ClinVar:

ClinVar aggregate classification (germline): Uncertain significance (1 of 4 stars; one submission).

Conditions:
Nephronophthisis. Also called: Juvenile Nephronophthisis. Identifiers: Orphanet 655, MedGen C0687120, MONDO:0019005, HP:0000090.

Allele frequency attached by ClinVar (database versions not stated): ExAC 0.00001; gnomAD exomes 0.00001 and 0.00002.
gnomAD v4.1: 29 of 1,609,062 alleles (0.0018%); highest among the groups gnomAD compares: Non-Finnish European, 0.0025%; no homozygotes.

Submission:

Labcorp Genetics (formerly Invitae), Labcorp
Classification: Uncertain significance for Nephronophthisis. Last evaluated: 2021-03-25. Review status: criteria provided, single submitter. Criteria: Invitae Variant Classification Sherloc (09022015). Collection method: clinical testing. Allele origin: germline.
Comment: In summary, the available evidence is currently insufficient to determine the role of this variant in disease. Therefore, it has been classified as a Variant of Uncertain Significance. Nucleotide substitutions within the consensus splice site are a relatively common cause of aberrant splicing (PMID: 17576681, 9536098). Algorithms developed to predict the effect of sequence changes on RNA splicing suggest that this variant may create or strengthen a splice site, but this prediction has not been confirmed by published transcriptional studies. This variant has not been reported in the literature in individuals with NPHP4-related conditions. This variant is present in population databases (rs746549067, ExAC 0.002%). This sequence change falls in intron 24 of the NPHP4 gene. It does not directly change the encoded amino acid sequence of the NPHP4 protein. It affects a nucleotide within the consensus splice site of the intron.

Literature cited by the submitters: PubMed 17576681; PubMed 9536098.

NM_015102.5(NPHP4):c.3472+2C>T

Gene: NPHP4 (nephrocystin 4; minus strand). Cytogenetic location: 1p36.31.
Variant type: single nucleotide variant.
Coding change: c.3472+2C>T on transcript NM_015102.5 (MANE Select); the canonical splice donor site of the intron after coding-DNA position 3472, C replaced by T.
Molecular consequence: splice donor variant.
Genome position (GRCh38, 1-based): chr1:5,867,738, G>A on the plus strand (C>T on the coding strand, the complement: NPHP4 is on the minus strand). VCF-style: chr1-5867738-G-A. GRCh37 (hg19) VCF-style: chr1-5927798-G-A.
Other names: c.1936+2C>T (NM_001291594.2); c.1933+2C>T (NM_001291593.2).
Identifiers: ClinVar variation 1503419 (VCV001503419.6), dbSNP rs746549067, ClinGen allele CA553612.
Genomic context (GRCh38, chr1:5,867,738, plus strand): 5'-GGTATCTACTTCCAACAGGTGAGCCTGCAACATGTGGGCTGCAGGGTCAGTGCAGGACCT[G>A]CCTGGAAATGTGTGCCAGGGCGGCAGGCGGATGGCCTTCTTCAGGAAGGAGAGCTCCGGG-3'